The following is an entry in ClinVar:

ClinVar aggregate classification (germline): Likely pathogenic (1 of 4 stars; one submission).

Submission:

GeneDx
Classification: Likely pathogenic. Last evaluated: 2015-07-28. Review status: criteria provided, single submitter. Criteria: GeneDx Variant Classification (06012015). Collection method: clinical testing. Allele origin: germline. Affected: yes.
Comment: The A251D variant has not been published as a pathogenic variant, nor has it been reported as a benign polymorphism to our knowledge. It was not observed in approximately 6,500 individuals of European and African American ancestry in the NHLBI Exome Sequencing Project, indicating it is not a common benign variant in these populations. The A251D variant is a non-conservative amino acid substitution, which is likely to impact secondary protein structure as these residues differ in polarity, charge, size and/or other properties. This substitution occurs at a position that is conserved across species, and in silico analysis predicts this variant is probably damaging to the protein structure/function. In addition, missense variants in at the same position (A251S, A251V) and at nearby positions (I250T, I250N, G253D) have been reported in the Human Gene Mutation Database in association with DCX-related disorders (Stenson et al., 2014), supporting the functional importance of this region of the protein. Therefore, this variant is a strong candidate for a pathogenic variant, however the possibility that it is a benign variant cannot be excluded.

NM_001195553.2(DCX):c.752C>A (p.Ala251Asp)

Gene: DCX (doublecortin; minus strand). Cytogenetic location: Xq23.
Variant type: single nucleotide variant.
Coding change: c.752C>A on transcript NM_001195553.2 (MANE Select); coding-DNA position 752, C replaced by A.
Protein change: p.Ala251Asp; replaces alanine 251 with aspartic acid.
Molecular consequence: missense variant.
Genome position (GRCh38, 1-based): chrX:111,333,107, G>T on the plus strand (C>A on the coding strand, the complement: DCX is on the minus strand). VCF-style: chrX-111333107-G-T. GRCh37 (hg19) VCF-style: chrX-110576335-G-T.
Other names: c.995C>A, p.Ala332Asp (NM_000555.3); c.752C>A, p.Ala251Asp (NM_001369370.1, NM_001369371.1, NM_001369372.1 and 5 more transcripts); short protein forms A251D, A332D.
Identifiers: ClinVar variation 427044 (VCV000427044.2), dbSNP rs1085307919, ClinGen allele CA414241722.